The following is an entry in ClinVar:

ClinVar aggregate classification (germline): Uncertain significance (1 of 4 stars; one submission).

Allele frequency attached by ClinVar (database versions not stated): TOPMed below 0.00001; gnomAD exomes 0.00003.
gnomAD v4.1: 5 of 296,894 alleles (0.0017%); highest among the groups gnomAD compares: Non-Finnish European, 0.0029%; no homozygotes.

Submission:

CeGaT Center for Human Genetics Tuebingen
Classification: Uncertain significance. Last evaluated: 2023-08-01. Review status: criteria provided, single submitter. Criteria: CeGaT Center For Human Genetics Tuebingen Variant Classification Criteria Version 2. Collection method: clinical testing. Allele origin: germline. Affected: yes. Observed: 1 variant allele.
Comment: DDX3X: PM2, BP4

NM_001356.5(DDX3X):c.152-668T>C

Gene: DDX3X (DEAD-box helicase 3 X-linked; plus strand). Cytogenetic location: Xp11.4.
Variant type: single nucleotide variant.
Coding change: c.152-668T>C on transcript NM_001356.5 (MANE Select); 668 bases into the intron before coding-DNA position 152, T replaced by C.
Molecular consequence: intron variant.
Genome position (GRCh38, 1-based): chrX:41,340,816, T>C. VCF-style: chrX-41340816-T-C. GRCh37 (hg19) VCF-style: chrX-41200069-T-C.
Other names: c.152-668T>C (NM_001193416.3); c.104-668T>C (NM_001193417.3); c.-407-668T>C (NM_001363819.1).
Identifiers: ClinVar variation 2660340 (VCV002660340.24), dbSNP rs2063839261, ClinGen allele CA2425879145.
Genomic context (GRCh38, chrX:41,340,816, plus strand): 5'-ATCTGACAGTCTATGAATGTTCTAAATGAATACCACCTCCAAGAAACATGGAAACAATGG[T>C]AACTGTTTTTCCTAGTAAACTCATTCACACCTATAAAATGAATGGAAATTAAATTGTTAT-3'